The following is an entry in ClinVar:

NM_002506.3(NGF):c.371C>T (p.Ser124Phe)

Genes: NGF (nerve growth factor; minus strand), NGF-AS1 (NGF antisense RNA 1; plus strand). Cytogenetic location: 1p13.2.
Variant type: single nucleotide variant.
Coding change: c.371C>T on transcript NM_002506.3 (MANE Select); coding-DNA position 371, C replaced by T.
Protein change: p.Ser124Phe; replaces serine 124 with phenylalanine.
Molecular consequence: missense variant.
Genome position (GRCh38, 1-based): chr1:115,286,425, G>A on the plus strand (C>T on the coding strand, the complement: NGF is on the minus strand). VCF-style: chr1-115286425-G-A. GRCh37 (hg19) VCF-style: chr1-115829046-G-A.
Other names: short protein forms S124F.
Identifiers: ClinVar variation 456632 (VCV000456632.5), dbSNP rs1011323001, ClinGen allele CA29767411.

ClinVar aggregate classification (germline): Uncertain significance (1 of 4 stars; one submission).

Conditions:
Congenital sensory neuropathy with selective loss of small myelinated fibers (HSAN5). Also called: HSAN Type V. Identifiers: Orphanet 64752, MedGen C0020075, MONDO:0012092, OMIM 608654.

Allele frequency attached by ClinVar (database versions not stated): gnomAD exomes 0.00001 and 0.00002; TOPMed 0.00002.
gnomAD v4.1: 6 of 1,613,824 alleles (0.00037%); highest among the groups gnomAD compares: Admixed American, 0.01%; no homozygotes.

Submission:

Labcorp Genetics (formerly Invitae), Labcorp
Classification: Uncertain significance for Congenital sensory neuropathy with selective loss of small myelinated fibers. Last evaluated: 2024-05-22. Review status: criteria provided, single submitter. Criteria: Invitae Variant Classification Sherloc (09022015). Collection method: clinical testing. Allele origin: germline.
Comment: This sequence change replaces serine, which is neutral and polar, with phenylalanine, which is neutral and non-polar, at codon 124 of the NGF protein (p.Ser124Phe). This variant is present in population databases (no rsID available, gnomAD 0.01%). This variant has not been reported in the literature in individuals affected with NGF-related conditions. ClinVar contains an entry for this variant (Variation ID: 456632). An algorithm developed to predict the effect of missense changes on protein structure and function (PolyPhen-2) suggests that this variant¬†is likely to be tolerated. In summary, the available evidence is currently insufficient to determine the role of this variant in disease. Therefore, it has been classified as a Variant of Uncertain Significance.